The following is an entry in ClinVar:

NM_006929.5(SKIC2):c.2460_2461del (p.Glu820fs)

Gene: SKIC2 (SKI2 subunit of superkiller complex; plus strand). Cytogenetic location: 6p21.33.
Variant type: Microsatellite.
Coding change: c.2460_2461del on transcript NM_006929.5 (MANE Select); coding-DNA positions 2460 to 2461, 2 bases deleted (GA; older notation c.2460_2461delGA).
Protein change: p.Glu820fs; shifts the reading frame from glutamic acid 820.
Molecular consequence: frameshift variant.
Genome position (GRCh38, 1-based): chr6:31,967,123-31,967,124, GA deleted; deleting any 2 consecutive bases within chr6:31,967,120-31,967,124 gives the same sequence; the c. name uses the placement nearest the transcript's 3' end. VCF-style (leftmost placement, unchanged base first): chr6-31967119-CAG-C. GRCh37 (hg19) VCF-style: chr6-31934896-CAG-C.
Other names: short protein forms E820fs.
Identifiers: ClinVar variation 2830214 (VCV002830214.3), dbSNP rs2482978171, ClinGen allele CA2739272884.

ClinVar aggregate classification (germline): Pathogenic (1 of 4 stars; one submission).

Submission:

Labcorp Genetics (formerly Invitae), Labcorp
Classification: Pathogenic. Last evaluated: 2023-06-16. Review status: criteria provided, single submitter. Criteria: Invitae Variant Classification Sherloc (09022015). Collection method: clinical testing. Allele origin: germline.
Comment: For these reasons, this variant has been classified as Pathogenic. This variant has not been reported in the literature in individuals affected with SKIV2L-related conditions. This variant is not present in population databases (gnomAD no frequency). This sequence change creates a premature translational stop signal (p.Glu820Aspfs*58) in the SKIV2L gene. It is expected to result in an absent or disrupted protein product. Loss-of-function variants in SKIV2L are known to be pathogenic (PMID: 22444670).

Literature cited by the submitters: PubMed 22444670.